The following is an entry in ClinVar:

NM_000368.5(TSC1):c.509-15G>A

Gene: TSC1 (TSC complex subunit 1; minus strand). Cytogenetic location: 9q34.13.
Variant type: single nucleotide variant.
Coding change: c.509-15G>A on transcript NM_000368.5 (MANE Select); 15 bases into the intron before coding-DNA position 509, G replaced by A.
Molecular consequence: intron variant.
Genome position (GRCh38, 1-based): chr9:132,921,988, C>T on the plus strand (G>A on the coding strand, the complement: TSC1 is on the minus strand). VCF-style: chr9-132921988-C-T. GRCh37 (hg19) VCF-style: chr9-135797375-C-T.
Other names: c.146-15G>A (NM_001362177.2); c.356-15G>A (NM_001162427.2); c.509-15G>A (NM_001162426.2).
Identifiers: ClinVar variation 49049 (VCV000049049.10), dbSNP rs118203391, ClinGen allele CA007664.

ClinVar aggregate classification (germline): Conflicting classifications of pathogenicity. Review status: criteria provided, conflicting classifications (1 of 4 stars). 3 submissions from 3 submitters: Uncertain significance (1); Likely benign (1). 1 of the submissions does not count toward it. Last evaluated 2025-11-05.

Conditions:
Tuberous sclerosis 1 (TSC1). Identifiers: Orphanet 805, MedGen C1854465, MONDO:0008612, OMIM 191100.
Tuberous sclerosis syndrome (TSC). Also called: Tuberous Sclerosis Complex; Tuberous sclerosis. Identifiers: Orphanet 805, MedGen C0041341, MONDO:0001734.

Allele frequency attached by ClinVar (database versions not stated): gnomAD exomes below 0.00001.
gnomAD v4.1: 4 of 1,613,976 alleles (0.00025%); highest among the groups gnomAD compares: Non-Finnish European, 0.00025%; no homozygotes.

Submissions (3):

Labcorp Genetics (formerly Invitae), Labcorp
Classification: Uncertain significance for Tuberous sclerosis 1. Last evaluated: 2025-11-05. Review status: criteria provided, single submitter. Criteria: Invitae Variant Classification Sherloc (09022015). Collection method: clinical testing. Allele origin: germline.
Comment: This sequence change falls in intron 6 of the TSC1 gene. It does not directly change the encoded amino acid sequence of the TSC1 protein. This variant is not present in population databases (gnomAD no frequency). This variant has not been reported in the literature in individuals affected with TSC1-related conditions. ClinVar contains an entry for this variant (Variation ID: 49049). Algorithms developed to predict the effect of sequence changes on RNA splicing suggest that this variant may disrupt the consensus splice site. In summary, the available evidence is currently insufficient to determine the role of this variant in disease. Therefore, it has been classified as a Variant of Uncertain Significance.

GeneDx
Classification: Likely benign. Last evaluated: 2017-03-23. Review status: criteria provided, single submitter. Criteria: GeneDx Variant Classification (06012015). Collection method: clinical testing. Allele origin: germline. Affected: yes.
Comment: This variant is considered likely benign or benign based on one or more of the following criteria: it is a conservative change, it occurs at a poorly conserved position in the protein, it is predicted to be benign by multiple in silico algorithms, and/or has population frequency not consistent with disease.

Tuberous sclerosis database (TSC1)
No classification provided. Condition: TSC. Review status: no classification provided. Criteria: Tuberous Sclerosis Database Assertion Criteria 2015. Collection method: curation. Allele origin: germline. Affected: yes. Not counted in ClinVar's aggregate classification.